The following is an entry in ClinVar:

NM_152468.5(TMC8):c.1206C>G (p.Asp402Glu)

Gene: TMC8 (transmembrane channel like 8; plus strand). Cytogenetic location: 17q25.3.
Variant type: single nucleotide variant.
Coding change: c.1206C>G on transcript NM_152468.5 (MANE Select); coding-DNA position 1206, C replaced by G.
Protein change: p.Asp402Glu; replaces aspartic acid 402 with glutamic acid.
Molecular consequence: missense variant.
Genome position (GRCh38, 1-based): chr17:78,137,313, C>G. VCF-style: chr17-78137313-C-G. GRCh37 (hg19) VCF-style: chr17-76133394-C-G.
Other names: short protein forms D402E.
Identifiers: ClinVar variation 651801 (VCV000651801.1), dbSNP rs746051835, ClinGen allele CA8796753.

ClinVar aggregate classification (germline): Uncertain significance (1 of 4 stars; one submission).

Conditions:
Epidermodysplasia verruciformis, susceptibility to, 1. Identifiers: Orphanet 302, MedGen C4722564, MONDO:0100045, OMIM 226400.

Allele frequency attached by ClinVar (database versions not stated): gnomAD exomes 0.00002; ExAC 0.00002.

Submission:

Labcorp Genetics (formerly Invitae), Labcorp
Classification: Uncertain significance for Epidermodysplasia Verruciformis. Last evaluated: 2018-09-02. Review status: criteria provided, single submitter. Criteria: Invitae Variant Classification Sherloc (09022015). Collection method: clinical testing. Allele origin: germline.
Comment: This sequence change replaces aspartic acid with glutamic acid at codon 402 of the TMC8 protein (p.Asp402Glu). The aspartic acid residue is weakly conserved and there is a small physicochemical difference between aspartic acid and glutamic acid. This variant is present in population databases (rs746051835, ExAC 0.02%). This variant has not been reported in the literature in individuals with TMC8-related disease. Algorithms developed to predict the effect of missense changes on protein structure and function (SIFT, PolyPhen-2, Align-GVGD) all suggest that this variant is likely to be tolerated, but these predictions have not been confirmed by published functional studies and their clinical significance is uncertain. In summary, the available evidence is currently insufficient to determine the role of this variant in disease. Therefore, it has been classified as a Variant of Uncertain Significance.